The following is an entry in ClinVar:

NM_001146.5(ANGPT1):c.434T>C (p.Leu145Pro)

Gene: ANGPT1 (angiopoietin 1; minus strand). Cytogenetic location: 8q23.1.
Variant type: single nucleotide variant.
Coding change: c.434T>C on transcript NM_001146.5 (MANE Select); coding-DNA position 434, T replaced by C.
Protein change: p.Leu145Pro; replaces leucine 145 with proline.
Molecular consequence: missense variant.
Genome position (GRCh38, 1-based): chr8:107,346,961, A>G on the plus strand (T>C on the coding strand, the complement: ANGPT1 is on the minus strand). VCF-style: chr8-107346961-A-G. GRCh37 (hg19) VCF-style: chr8-108359189-A-G.
Other names: c.434T>C, p.Leu145Pro (NM_001199859.3); short protein forms L145P.
Identifiers: ClinVar variation 3344962 (VCV003344962.1).
Genomic context (GRCh38, chr8:107,346,961, plus strand): 5'-TTTTCCTTGTTGAGTCTGTGGACTCTGGCCCTGGGGTGTACCTGGGTCTCAACATCTGTC[A>G]GCTTTCTGGTCTGCTCTGCAGTCTGAGAGAGGAGGCTGGTTCCTATCTCCAGCATGGTAG-3'
Protein context (NP_001137.2, residues 135-155): LSQTAEQTRK[Leu145Pro]TDVETQVLNQ

ClinVar aggregate classification (germline): Uncertain significance (0 of 4 stars; one submission).

Conditions:
ANGPT1-related disorder. Also called: ANGPT1-related condition.

Submission:

PreventionGenetics, part of Exact Sciences
Classification: Uncertain significance for ANGPT1-related condition. Last evaluated: 2024-08-14. Review status: no assertion criteria provided. Collection method: clinical testing. Allele origin: germline.
Comment: The ANGPT1 c.434T>C variant is predicted to result in the amino acid substitution p.Leu145Pro. To our knowledge, this variant has not been reported in the literature or in a large population database, indicating this variant is rare. At this time, the clinical significance of this variant is uncertain due to the absence of conclusive functional and genetic evidence.